The following is an entry in ClinVar:

NM_024675.4(PALB2):c.1343del (p.Ser448fs)

Gene: PALB2 (partner and localizer of BRCA2; minus strand). Cytogenetic location: 16p12.2.
Variant type: Deletion.
Coding change: c.1343del on transcript NM_024675.4 (MANE Select); coding-DNA position 1343, one base deleted (G; older notation c.1343delG).
Protein change: p.Ser448fs; shifts the reading frame from serine 448.
Molecular consequence: frameshift variant.
Genome position (GRCh38, 1-based): chr16:23,635,203, C deleted on the plus strand (G on the coding strand, the reverse complement: PALB2 is on the minus strand). VCF-style (leftmost placement, unchanged base first): chr16-23635202-AC-A. GRCh37 (hg19) VCF-style: chr16-23646523-AC-A.
Other names: c.1283delG, p.Ser428Ilefs (NM_001407296.1); c.1343delG, p.Ser448Ilefs (NM_001407297.1, NM_001407298.1, NM_001407299.1 and 3 more transcripts); c.458delG, p.Ser153Ilefs (NM_001407304.1, NM_001407305.1, NM_001407306.1 and 5 more transcripts); short protein forms S448fs.
Identifiers: ClinVar variation 1992994 (VCV001992994.4), dbSNP rs2506480937, ClinGen allele CA2580091289.

ClinVar aggregate classification (germline): Pathogenic (1 of 4 stars; one submission).

Conditions:
Familial cancer of breast. Also called: hereditary breast carcinoma; Hereditary breast cancer; BREAST CANCER, FAMILIAL. Identifiers: Orphanet 227535, MedGen C0346153, MONDO:0016419, OMIM 114480. Disease mechanism: loss of function.

Submission:

Labcorp Genetics (formerly Invitae), Labcorp
Classification: Pathogenic for Familial cancer of breast. Last evaluated: 2022-05-11. Review status: criteria provided, single submitter. Criteria: Invitae Variant Classification Sherloc (09022015). Collection method: clinical testing. Allele origin: germline.
Comment: For these reasons, this variant has been classified as Pathogenic. This variant has not been reported in the literature in individuals affected with PALB2-related conditions. This variant is not present in population databases (gnomAD no frequency). This sequence change creates a premature translational stop signal (p.Ser448Ilefs*4) in the PALB2 gene. It is expected to result in an absent or disrupted protein product. Loss-of-function variants in PALB2 are known to be pathogenic (PMID: 17200668, 17200671, 17200672, 24136930, 25099575).

Literature cited by the submitters: PubMed 17200668; PubMed 17200671; PubMed 17200672; PubMed 24136930; PubMed 25099575.